The following is an entry in ClinVar:

NM_004523.4(KIF11):c.3053A>G (p.His1018Arg)

Gene: KIF11 (kinesin family member 11; plus strand). Cytogenetic location: 10q23.33.
Variant type: single nucleotide variant.
Coding change: c.3053A>G on transcript NM_004523.4 (MANE Select); coding-DNA position 3053, A replaced by G.
Protein change: p.His1018Arg; replaces histidine 1018 with arginine.
Molecular consequence: missense variant.
Genome position (GRCh38, 1-based): chr10:92,653,678, A>G. VCF-style: chr10-92653678-A-G. GRCh37 (hg19) VCF-style: chr10-94413435-A-G.
Other names: c.3053A>G (NM_004523.3); short protein forms H1018R.
Identifiers: ClinVar variation 1043778 (VCV001043778.11), dbSNP rs147164679, ClinGen allele CA5604547.

ClinVar aggregate classification (germline): Conflicting classifications of pathogenicity. Review status: criteria provided, conflicting classifications (1 of 4 stars). 5 submissions from 5 submitters: Uncertain significance (1); Likely benign (3). 1 of the submissions does not count toward it. Last evaluated 2026-03-26.

Conditions:
KIF11-related disorder. Also called: KIF11-related condition.
Inborn genetic diseases. Identifiers: MedGen C0950123, MeSH D030342.
Decreased total neutrophil count. Also called: Neutropenia. Identifiers: MedGen C0853697, MONDO:0001475, HP:0001875.
Decreased total lymphocyte count. Also called: Lymphopenia. Identifiers: MedGen C0024312, MONDO:0003783, HP:0001888.

Allele frequency attached by ClinVar (database versions not stated): ExAC 0.00005; gnomAD 0.00006; gnomAD exomes 0.00006; TOPMed 0.00006; ESP Exome Variant Server 0.00015.
gnomAD v4.1: 101 of 1,611,836 alleles (0.0063%); highest among the groups gnomAD compares: Admixed American, 0.0084%; no homozygotes.

Submissions (5):

PreventionGenetics, part of Exact Sciences
Classification: Uncertain significance for KIF11-related condition. Last evaluated: 2026-03-26. Review status: criteria provided, single submitter. Criteria: ACMG Guidelines, 2015. Collection method: clinical testing. Allele origin: germline.
Comment: The KIF11 c.3053A>G variant is predicted to result in the amino acid substitution p.His1018Arg. To our knowledge, this variant has not been reported in the literature. This variant is reported in 0.011% of alleles in individuals of European (Non-Finnish) descent in gnomAD, which may be too frequent to be a primary cause of disease. Although we suspect that this variant may be benign, at this time, the clinical significance of this variant is uncertain due to the absence of conclusive functional and genetic evidence.

Labcorp Genetics (formerly Invitae), Labcorp
Classification: Likely benign. Last evaluated: 2025-07-24. Review status: criteria provided, single submitter. Criteria: Invitae Variant Classification Sherloc (09022015). Collection method: clinical testing. Allele origin: germline.

Blueprint Genetics
Classification: Likely benign. Last evaluated: 2024-03-18. Review status: criteria provided, single submitter. Criteria: ACMG Guidelines, 2015. Collection method: clinical testing. Allele origin: germline.

Ambry Genetics
Classification: Likely benign for Inborn genetic diseases. Last evaluated: 2021-09-15. Review status: criteria provided, single submitter. Criteria: Ambry Variant Classification Scheme 2023. Collection method: clinical testing. Allele origin: germline.

Department of Biosciences, University of Milan
Classification: Likely benign for Decreased total neutrophil count; Decreased total lymphocyte count. Review status: no assertion criteria provided. Collection method: research. Allele origin: paternal. Affected: yes. Not counted in ClinVar's aggregate classification.